The following is an entry in ClinVar:

NM_005228.5(EGFR):c.3569C>A (p.Ser1190Tyr)

Gene: EGFR (epidermal growth factor receptor; plus strand). Cytogenetic location: 7p11.2.
Variant type: single nucleotide variant.
Coding change: c.3569C>A on transcript NM_005228.5 (MANE Select); coding-DNA position 3569, C replaced by A.
Protein change: p.Ser1190Tyr; replaces serine 1190 with tyrosine.
Molecular consequence: missense variant.
Genome position (GRCh38, 1-based): chr7:55,205,553, C>A. VCF-style: chr7-55205553-C-A. GRCh37 (hg19) VCF-style: chr7-55273246-C-A.
Other names: c.3434C>A, p.Ser1145Tyr (NM_001346899.2); c.3410C>A, p.Ser1137Tyr (NM_001346900.2); c.2768C>A, p.Ser923Tyr (NM_001346941.2); short protein forms S1145Y, S1190Y, S923Y, S1137Y.
Identifiers: ClinVar variation 4247298 (VCV004247298.1).

ClinVar aggregate classification (germline): Uncertain significance (1 of 4 stars; one submission).

Conditions:
Hereditary cancer-predisposing syndrome. Also called: Hereditary Cancer Syndrome; Hereditary neoplastic syndrome; Neoplastic Syndromes, Hereditary; Tumor predisposition. Identifiers: Orphanet 140162, MedGen C0027672, MeSH D009386, MONDO:0015356.

gnomAD v4.1: 1 of 1,614,180 alleles (0.000062%); no homozygotes.

Submission:

Ambry Genetics
Classification: Uncertain significance for Hereditary cancer-predisposing syndrome. Last evaluated: 2025-07-12. Review status: criteria provided, single submitter. Criteria: Ambry Variant Classification Scheme 2023. Collection method: clinical testing. Allele origin: germline.
Comment: The p.S1190Y variant (also known as c.3569C>A), located in coding exon 28 of the EGFR gene, results from a C to A substitution at nucleotide position 3569. The serine at codon 1190 is replaced by tyrosine, an amino acid with dissimilar properties. This amino acid position is conserved. In addition, this alteration is predicted to be tolerated by in silico analysis. Based on the available evidence, the clinical significance of this variant remains unclear.